The following is an entry in ClinVar:

ClinVar aggregate classification (germline): Uncertain significance (1 of 4 stars; one submission).

Submission:

Labcorp Genetics (formerly Invitae), Labcorp
Classification: Uncertain significance. Last evaluated: 2023-02-14. Review status: criteria provided, single submitter. Criteria: Invitae Variant Classification Sherloc (09022015). Collection method: clinical testing. Allele origin: germline.
Comment: This sequence change replaces arginine, which is basic and polar, with proline, which is neutral and non-polar, at codon 714 of the ACTN1 protein (p.Arg714Pro). In summary, the available evidence is currently insufficient to determine the role of this variant in disease. Therefore, it has been classified as a Variant of Uncertain Significance. Advanced modeling of protein sequence and biophysical properties (such as structural, functional, and spatial information, amino acid conservation, physicochemical variation, residue mobility, and thermodynamic stability) performed at Invitae indicates that this missense variant is expected to disrupt ACTN1 protein function. This variant has not been reported in the literature in individuals affected with ACTN1-related conditions. This variant is not present in population databases (gnomAD no frequency).

NM_001130004.2(ACTN1):c.2141G>C (p.Arg714Pro)

Gene: ACTN1 (actinin alpha 1; minus strand). Cytogenetic location: 14q24.1.
Variant type: single nucleotide variant.
Coding change: c.2141G>C on transcript NM_001130004.2 (MANE Select); coding-DNA position 2141, G replaced by C.
Protein change: p.Arg714Pro; replaces arginine 714 with proline.
Molecular consequence: missense variant.
Genome position (GRCh38, 1-based): chr14:68,880,101, C>G on the plus strand (G>C on the coding strand, the complement: ACTN1 is on the minus strand). VCF-style: chr14-68880101-C-G. GRCh37 (hg19) VCF-style: chr14-69346818-C-G.
Other names: c.2141G>C, p.Arg714Pro (NM_001102.4, NM_001130005.2, NM_001424012.1 and 2 more transcripts); c.2165G>C, p.Arg722Pro (NM_001411035.1, NM_001424016.1); c.1946G>C, p.Arg649Pro (NM_001411036.1, NM_001424026.1, NM_001424028.1); c.2267G>C, p.Arg756Pro (NM_001424013.1); c.2228G>C, p.Arg743Pro (NM_001424015.1); c.2138G>C, p.Arg713Pro (NM_001424017.1); c.2102G>C, p.Arg701Pro (NM_001424018.1); c.1958G>C, p.Arg653Pro (NM_001424019.1, NM_001424024.1, NM_001424025.1 and 2 more transcripts); and 3 more; short protein forms R439P, R701P, R756P, R691P, R743P, R649P, R653P, R693P.
Identifiers: ClinVar variation 2837607 (VCV002837607.3), dbSNP rs1383792017, ClinGen allele CA390181828.
Genomic context (GRCh38, chr14:68,880,101, plus strand): 5'-TGGTTCTCTACCTCATTGATGGTCCTGGCGATGGTGGTGAGCAGCTGCTCCCAGCCCACA[C>G]GGATGTGCTGCAGGACGGCAAGGGGCCTGTCAGCAAAGGGGTCCCAGGCCTGGGCTCCTG-3'
Protein context (NP_001123476.1, residues 704-724): KHTNYTMEHI[Arg714Pro]VGWEQLLTTI